The following is an entry in ClinVar:

NM_005570.4(LMAN1):c.1412C>T (p.Pro471Leu)

Gene: LMAN1 (lectin, mannose binding 1; minus strand). Cytogenetic location: 18q21.32.
Variant type: single nucleotide variant.
Coding change: c.1412C>T on transcript NM_005570.4 (MANE Select); coding-DNA position 1412, C replaced by T.
Protein change: p.Pro471Leu; replaces proline 471 with leucine.
Molecular consequence: missense variant.
Genome position (GRCh38, 1-based): chr18:59,331,502, G>A on the plus strand (C>T on the coding strand, the complement: LMAN1 is on the minus strand). VCF-style: chr18-59331502-G-A. GRCh37 (hg19) VCF-style: chr18-56998734-G-A.
Other names: short protein forms P471L.
Identifiers: ClinVar variation 889985 (VCV000889985.20), dbSNP rs770116653, ClinGen allele CA8979622.

ClinVar aggregate classification (germline): Uncertain significance. Review status: criteria provided, multiple submitters, no conflicts (2 of 4 stars). 4 submissions from 4 submitters: Uncertain significance (4). Last evaluated 2025-03-01.

Conditions:
Factor V and factor VIII, combined deficiency of, type 1. Also called: FMFD I; MULTIPLE COAGULATION FACTOR DEFICIENCY I; Combined factor V and VIII deficiency; FAMILIAL MULTIPLE COAGULATION FACTOR DEFICIENCY I. Identifiers: Orphanet 35909, MedGen C4551981, MONDO:0009206, OMIM 227300.
Inborn genetic diseases. Identifiers: MedGen C0950123, MeSH D030342.

Allele frequency attached by ClinVar (database versions not stated): ExAC 0.00003; gnomAD exomes 0.00004 and 0.00010; TOPMed 0.00004; gnomAD 0.00005.
gnomAD v4.1: 149 of 1,612,484 alleles (0.0092%); highest among the groups gnomAD compares: Non-Finnish European, 0.012%; no homozygotes.

Submissions (4):

CeGaT Center for Human Genetics Tuebingen
Classification: Uncertain significance. Last evaluated: 2025-03-01. Review status: criteria provided, single submitter. Criteria: CeGaT Center For Human Genetics Tuebingen Variant Classification Criteria Version 2. Collection method: clinical testing. Allele origin: germline. Affected: yes. Observed: 1 variant allele.
Comment: LMAN1: PM2

Blueprint Genetics
Classification: Uncertain significance. Last evaluated: 2023-11-30. Review status: criteria provided, single submitter. Criteria: ACMG Guidelines, 2015. Collection method: clinical testing. Allele origin: germline.

Ambry Genetics
Classification: Uncertain significance for Inborn genetic diseases. Last evaluated: 2022-10-12. Review status: criteria provided, single submitter. Criteria: Ambry Variant Classification Scheme 2023. Collection method: clinical testing. Allele origin: germline.

Illumina Laboratory Services, Illumina
Classification: Uncertain significance for Factor V and factor VIII, combined deficiency of, type 1. Last evaluated: 2018-01-13. Review status: criteria provided, single submitter. Criteria: ICSL Variant Classification Criteria 13 December 2019. Collection method: clinical testing. Allele origin: germline.